The following is an entry in ClinVar:

ClinVar aggregate classification (germline): Pathogenic (1 of 4 stars; one submission).

Conditions:
Hereditary cancer-predisposing syndrome. Also called: Neoplastic Syndromes, Hereditary; Tumor predisposition; Hereditary neoplastic syndrome; Hereditary Cancer Syndrome. Identifiers: Orphanet 140162, MedGen C0027672, MeSH D009386, MONDO:0015356.

Submission:

Ambry Genetics
Classification: Pathogenic for Hereditary cancer-predisposing syndrome. Last evaluated: 2024-05-08. Review status: criteria provided, single submitter. Criteria: Ambry Variant Classification Scheme 2023. Collection method: clinical testing. Allele origin: germline.
Comment: The p.L961* pathogenic mutation (also known as c.2882T>A), located in coding exon 18 of the ATM gene, results from a T to A substitution at nucleotide position 2882. This changes the amino acid from a leucine to a stop codon within coding exon 18. This variant is considered to be rare based on population cohorts in the Genome Aggregation Database (gnomAD). This alteration is expected to result in loss of function by premature protein truncation or nonsense-mediated mRNA decay. As such, this alteration is interpreted as a disease-causing mutation.

NM_000051.4(ATM):c.2882T>A (p.Leu961Ter)

Gene: ATM (ATM serine/threonine kinase; plus strand). Cytogenetic location: 11q22.3.
Variant type: single nucleotide variant.
Coding change: c.2882T>A on transcript NM_000051.4 (MANE Select); coding-DNA position 2882, T replaced by A.
Protein change: p.Leu961Ter; replaces leucine 961 with a stop codon.
Molecular consequence: nonsense.
Genome position (GRCh38, 1-based): chr11:108,271,107, T>A. VCF-style: chr11-108271107-T-A. GRCh37 (hg19) VCF-style: chr11-108141834-T-A.
Other names: c.2882T>A, p.Leu961Ter (NM_001351834.2); short protein forms L961*.
Identifiers: ClinVar variation 3325611 (VCV003325611.1).
Genomic context (GRCh38, chr11:108,271,107, plus strand): 5'-CCCTCCTACCATCTTAGTATCTAATGCTTTTAAAGGAGCTTCCTGGAGAAGAGTACCCCT[T>A]GCCAATGGAAGATGTTCTTGAACTTCTGAAACCACTATCGTAAGAAATTAAAACCTTATG-3'